The following is an entry in ClinVar:

NM_003793.4(CTSF):c.1370G>A (p.Trp457Ter)

Gene: CTSF (cathepsin F; minus strand). Cytogenetic location: 11q13.2.
Variant type: single nucleotide variant.
Coding change: c.1370G>A on transcript NM_003793.4 (MANE Select); coding-DNA position 1370, G replaced by A.
Protein change: p.Trp457Ter; replaces tryptophan 457 with a stop codon.
Molecular consequence: nonsense.
Genome position (GRCh38, 1-based): chr11:66,564,098, C>T on the plus strand (G>A on the coding strand, the complement: CTSF is on the minus strand). VCF-style: chr11-66564098-C-T. GRCh37 (hg19) VCF-style: chr11-66331569-C-T.
Other names: short protein forms W457*.
Identifiers: ClinVar variation 1331400 (VCV001331400.1), dbSNP rs888414145, ClinGen allele CA381455805.

ClinVar aggregate classification (germline): Uncertain significance (1 of 4 stars; one submission).

Allele frequency attached by ClinVar (database versions not stated): gnomAD 0.00001.

Submission:

Women's Health and Genetics/Laboratory Corporation of America, LabCorp
Classification: Uncertain significance. Last evaluated: 2021-12-14. Review status: criteria provided, single submitter. Criteria: LabCorp Variant Classification Summary - May 2015. Collection method: clinical testing. Allele origin: germline.
Comment: Variant summary: CTSF c.1370G>A (p.Trp457X) located in the penultimate exon (exon 21) results in a premature termination codon, predicted to cause a truncation of the encoded protein or absence of the protein due to nonsense mediated decay, which are commonly known mechanisms for disease. Truncations downstream of this position have not been classified as pathogenic by our laboratory and also not reported in the HGMD database. The variant was absent in 248968 control chromosomes. The available data on variant occurrences in the general population are insufficient to allow any conclusion about variant significance. To our knowledge, no occurrence of c.1370G>A in individuals affected with Neuronal Ceroid-Lipofuscinosis (Batten Disease) and no experimental evidence demonstrating its impact on protein function have been reported. No clinical diagnostic laboratories have submitted clinical-significance assessments for this variant to ClinVar after 2014. Based on the evidence outlined above, the variant was classified as uncertain significance.